The following is an entry in ClinVar:

NM_001267550.2(TTN):c.559T>G (p.Ser187Ala)

Gene: TTN (titin; minus strand). Cytogenetic location: 2q31.2.
Variant type: single nucleotide variant.
Coding change: c.559T>G on transcript NM_001267550.2 (MANE Select); coding-DNA position 559, T replaced by G.
Protein change: p.Ser187Ala; replaces serine 187 with alanine.
Molecular consequence: missense variant.
Genome position (GRCh38, 1-based): chr2:178,800,419, A>C on the plus strand (T>G on the coding strand, the complement: TTN is on the minus strand). VCF-style: chr2-178800419-A-C. GRCh37 (hg19) VCF-style: chr2-179665146-A-C.
Other names: c.559T>G, p.Ser187Ala (NM_001256850.1, NM_003319.4, NM_133378.4 and 3 more transcripts); short protein forms S187A.
Identifiers: ClinVar variation 2651729 (VCV002651729.24), dbSNP rs2094001605, ClinGen allele CA349526763.
Genomic context (GRCh38, chr2:178,800,419, plus strand): 5'-TCCCCTTCTCTCTGTTCCTCAACCTCCAGCACGTACCTTGAACCAGTAATTCAGCAGTCG[A>C]AGTAGCTCTTCCAACGCTATTGGTGGCATTTACTGAATAGGTCCCTGAGTCCTCAGGGTA-3'
Protein context (NP_001254479.2, residues 177-197): NATNSVGRAT[Ser187Ala]TAELLVQGEE

ClinVar aggregate classification (germline): Uncertain significance (1 of 4 stars; one submission).

Submission:

CeGaT Center for Human Genetics Tuebingen
Classification: Uncertain significance. Last evaluated: 2022-05-01. Review status: criteria provided, single submitter. Criteria: CeGaT Center For Human Genetics Tuebingen Variant Classification Criteria Version 2. Collection method: clinical testing. Allele origin: germline. Affected: yes. Observed: 1 variant allele.
Comment: TTN: PM2